The following is an entry in ClinVar:

NM_000059.4(BRCA2):c.4910T>G (p.Val1637Gly)

Gene: BRCA2 (BRCA2 DNA repair associated; plus strand). Cytogenetic location: 13q13.1.
Variant type: single nucleotide variant.
Coding change: c.4910T>G on transcript NM_000059.4 (MANE Select); coding-DNA position 4910, T replaced by G.
Protein change: p.Val1637Gly; replaces valine 1637 with glycine.
Molecular consequence: missense variant.
Genome position (GRCh38, 1-based): chr13:32,339,265, T>G. VCF-style: chr13-32339265-T-G. GRCh37 (hg19) VCF-style: chr13-32913402-T-G.
Other names: 5138T>G; short protein forms V1637G.
Identifiers: ClinVar variation 37931 (VCV000037931.19), dbSNP rs397507343, ClinGen allele CA020995.

ClinVar aggregate classification (germline): Conflicting classifications of pathogenicity. Review status: criteria provided, conflicting classifications (1 of 4 stars). 5 submissions from 5 submitters: Uncertain significance (3); Likely benign (1). 1 of the submissions does not count toward it. Last evaluated 2024-11-27.

Conditions:
Hereditary cancer-predisposing syndrome. Also called: Neoplastic Syndromes, Hereditary; Hereditary neoplastic syndrome; Tumor predisposition; Hereditary Cancer Syndrome. Identifiers: Orphanet 140162, MedGen C0027672, MeSH D009386, MONDO:0015356.
Hereditary breast ovarian cancer syndrome. Also called: Hereditary breast and/or ovarian cancer syndrome; Breast and ovarian cancer; BRCA1- and BRCA2-Associated Hereditary Breast and Ovarian Cancer; Hereditary breast and ovarian cancer; Hereditary breast and ovarian cancer syndrome; Hereditary breast and ovarian cancer syndrome (HBOC). Identifiers: Orphanet 145, MedGen C0677776, MeSH D061325, MONDO:0003582. Disease mechanism: loss of function.
Breast-ovarian cancer, familial, susceptibility to, 2 (BROVCA2). Also called: BRCA2 Hereditary Breast and Ovarian Cancer. Identifiers: Orphanet 145, MedGen C2675520, MONDO:0012933, OMIM 612555. Disease mechanism: loss of function.

Allele frequency attached by ClinVar (database versions not stated): gnomAD exomes below 0.00001; TOPMed below 0.00001; gnomAD 0.00001.
gnomAD v4.1: 2 of 1,611,700 alleles (0.00012%); highest among the groups gnomAD compares: African/African-American, 0.0013%; no homozygotes.

Submissions (5):

Ambry Genetics
Classification: Uncertain significance for Hereditary cancer-predisposing syndrome. Last evaluated: 2024-11-27. Review status: criteria provided, single submitter. Criteria: Ambry Variant Classification Scheme 2023. Collection method: clinical testing. Allele origin: germline.
Comment: The p.V1637G variant (also known as c.4910T>G), located in coding exon 10 of the BRCA2 gene, results from a T to G substitution at nucleotide position 4910. The valine at codon 1637 is replaced by glycine, an amino acid with dissimilar properties. This amino acid position is not well conserved in available vertebrate species. In addition, this alteration is predicted to be tolerated by in silico analysis. Based on the available evidence, the clinical significance of this variant remains unclear.

Blueprint Genetics
Classification: Uncertain significance. Last evaluated: 2024-02-16. Review status: criteria provided, single submitter. Criteria: ACMG Guidelines, 2015. Collection method: clinical testing. Allele origin: germline.

University of Washington Department of Laboratory Medicine, University of Washington
Classification: Likely benign for Hereditary cancer-predisposing syndrome. Last evaluated: 2023-03-23. Review status: criteria provided, single submitter. Criteria: Dines et al. (Genet Med. 2020). Collection method: curation. Allele origin: germline.
Comment: Missense variant in a coldspot region where missense variants are very unlikely to be pathogenic (PMID:31911673).

BRCA2 exon 11 coldspot. Reclassification based on statistical prior probability.

Labcorp Genetics (formerly Invitae), Labcorp
Classification: Uncertain significance for Hereditary breast ovarian cancer syndrome. Last evaluated: 2022-01-11. Review status: criteria provided, single submitter. Criteria: Invitae Variant Classification Sherloc (09022015). Collection method: clinical testing. Allele origin: germline.
Comment: This variant is not present in population databases (gnomAD no frequency). In summary, the available evidence is currently insufficient to determine the role of this variant in disease. Therefore, it has been classified as a Variant of Uncertain Significance. Algorithms developed to predict the effect of sequence changes on RNA splicing suggest that this variant may create or strengthen a splice site. Advanced modeling of protein sequence and biophysical properties (such as structural, functional, and spatial information, amino acid conservation, physicochemical variation, residue mobility, and thermodynamic stability) performed at Invitae indicates that this missense variant is not expected to disrupt BRCA2 protein function. ClinVar contains an entry for this variant (Variation ID: 37931). This missense change has been observed in individual(s) with breast cancer (PMID: 30613976). This sequence change replaces valine, which is neutral and non-polar, with glycine, which is neutral and non-polar, at codon 1637 of the BRCA2 protein (p.Val1637Gly).

Sharing Clinical Reports Project (SCRP)
Classification: Uncertain significance for Breast-ovarian cancer, familial 2. Last evaluated: 2009-09-04. Review status: no assertion criteria provided. Collection method: clinical testing. Allele origin: germline. Not counted in ClinVar's aggregate classification.

Literature cited by the submitters: PubMed 30613976 (cited by Ambry Genetics and Labcorp Genetics (formerly Invitae), Labcorp).